The following is an entry in ClinVar:

NM_001012339.3(DNAJC21):c.112A>G (p.Asn38Asp)

Gene: DNAJC21 (DnaJ heat shock protein family (Hsp40) member C21; plus strand). Cytogenetic location: 5p13.2.
Variant type: single nucleotide variant.
Coding change: c.112A>G on transcript NM_001012339.3 (MANE Select); coding-DNA position 112, A replaced by G.
Protein change: p.Asn38Asp; replaces asparagine 38 with aspartic acid.
Molecular consequence: missense variant.
Genome position (GRCh38, 1-based): chr5:34,933,829, A>G. VCF-style: chr5-34933829-A-G. GRCh37 (hg19) VCF-style: chr5-34933934-A-G.
Other names: c.112A>G, p.Asn38Asp (NM_001348420.2, NM_194283.4); short protein forms N38D.
Identifiers: ClinVar variation 3686258 (VCV003686258.1).
Genomic context (GRCh38, chr5:34,933,829, plus strand): 5'-TGTCCTGTACGTTTTTGATTGACTTAAATTTCTGTGACTTTAACAGATAAAAATCTGGAT[A>G]ATGCCGCAGAAGCAGCTGAACAATTTAAATTAATCCAAGCAGCATATGATGTGTTGAGTG-3'
Protein context (NP_001012339.2, residues 28-48): LKWHPDKNLD[Asn38Asp]AAEAAEQFKL

ClinVar aggregate classification (germline): Uncertain significance (1 of 4 stars; one submission).

gnomAD v4.1: 1 of 1,613,690 alleles (0.000062%); highest among the groups gnomAD compares: African/African-American, 0.0013%; no homozygotes.

Submission:

Labcorp Genetics (formerly Invitae), Labcorp
Classification: Uncertain significance. Last evaluated: 2024-05-18. Review status: criteria provided, single submitter. Criteria: Invitae Variant Classification Sherloc (09022015). Collection method: clinical testing. Allele origin: germline.
Comment: This sequence change replaces asparagine, which is neutral and polar, with aspartic acid, which is acidic and polar, at codon 38 of the DNAJC21 protein (p.Asn38Asp). This variant is not present in population databases (gnomAD no frequency). This variant has not been reported in the literature in individuals affected with DNAJC21-related conditions. An algorithm developed to predict the effect of missense changes on protein structure and function (PolyPhen-2) suggests that this variant¬†is likely to be tolerated. In summary, the available evidence is currently insufficient to determine the role of this variant in disease. Therefore, it has been classified as a Variant of Uncertain Significance.